The following is an entry in ClinVar:

NM_020988.3(GNAO1):c.220T>G (p.Tyr74Asp)

Gene: GNAO1 (G protein subunit alpha o1; plus strand). Cytogenetic location: 16q13.
Variant type: single nucleotide variant.
Coding change: c.220T>G on transcript NM_020988.3 (MANE Select); coding-DNA position 220, T replaced by G.
Protein change: p.Tyr74Asp; replaces tyrosine 74 with aspartic acid.
Molecular consequence: missense variant.
Genome position (GRCh38, 1-based): chr16:56,275,989, T>G. VCF-style: chr16-56275989-T-G. GRCh37 (hg19) VCF-style: chr16-56309901-T-G.
Other names: c.220T>G, p.Tyr74Asp (NM_138736.3); short protein forms Y74D.
Identifiers: ClinVar variation 3340582 (VCV003340582.1).

ClinVar aggregate classification (germline): Pathogenic (1 of 4 stars; one submission).

Submission:

GeneDx
Classification: Pathogenic. Last evaluated: 2023-07-17. Review status: criteria provided, single submitter. Criteria: GeneDx Variant Classification Process June 2021. Collection method: clinical testing. Allele origin: germline. Affected: yes.
Comment: Not observed at significant frequency in large population cohorts (gnomAD); In silico analysis supports that this missense variant has a deleterious effect on protein structure/function; This variant is associated with the following publications: (PMID: 28191890, 31785789, 25533962)